The following is an entry in ClinVar:

ClinVar aggregate classification (germline): Uncertain significance. Review status: criteria provided, multiple submitters, no conflicts (2 of 4 stars). 2 submissions from 2 submitters: Uncertain significance (2). Last evaluated 2026-07-08.

Conditions:
Hereditary cancer-predisposing syndrome. Also called: Neoplastic Syndromes, Hereditary; Hereditary Cancer Syndrome; Tumor predisposition; Hereditary neoplastic syndrome. Identifiers: Orphanet 140162, MedGen C0027672, MeSH D009386, MONDO:0015356.

Allele frequency attached by ClinVar (database versions not stated): gnomAD exomes below 0.00001; ESP Exome Variant Server 0.00008; ExAC 0.00001.
gnomAD v4.1: 3 of 1,613,268 alleles (0.00019%); highest among the groups gnomAD compares: Non-Finnish European, 0.00025%; no homozygotes.

Submissions (2):

Ambry Genetics
Classification: Uncertain significance for Hereditary cancer-predisposing syndrome. Last evaluated: 2026-07-08. Review status: criteria provided, single submitter. Criteria: Ambry Variant Classification Scheme 2023. Collection method: clinical testing. Allele origin: germline.
Comment: The c.1085A>C (p.D362A) alteration is located in exon 7 (coding exon 7) of the MSH3 gene. This alteration results from a A to C substitution at nucleotide position 1085, causing the aspartic acid (D) at amino acid position 362 to be replaced by an alanine (A). Based on data from gnomAD, the C allele has an overall frequency of <0.001% (1/251388) total alleles studied. The highest observed frequency was 0.001% (1/113708) of European (non-Finnish) alleles. Based on insufficient or conflicting evidence, the clinical significance of this alteration remains unclear.

Labcorp Genetics (formerly Invitae), Labcorp
Classification: Uncertain significance. Last evaluated: 2024-10-15. Review status: criteria provided, single submitter. Criteria: Invitae Variant Classification Sherloc (09022015). Collection method: clinical testing. Allele origin: germline.
Comment: This sequence change replaces aspartic acid, which is acidic and polar, with alanine, which is neutral and non-polar, at codon 362 of the MSH3 protein (p.Asp362Ala). This variant is present in population databases (rs373336770, gnomAD 0.0009%). This variant has not been reported in the literature in individuals affected with MSH3-related conditions. ClinVar contains an entry for this variant (Variation ID: 944451). An algorithm developed to predict the effect of missense changes on protein structure and function (PolyPhen-2) suggests that this variant is likely to be tolerated. In summary, the available evidence is currently insufficient to determine the role of this variant in disease. Therefore, it has been classified as a Variant of Uncertain Significance.

NM_002439.5(MSH3):c.1085A>C (p.Asp362Ala)

Gene: MSH3 (mutS homolog 3; plus strand). Cytogenetic location: 5q14.1.
Variant type: single nucleotide variant.
Coding change: c.1085A>C on transcript NM_002439.5 (MANE Select); coding-DNA position 1085, A replaced by C.
Protein change: p.Asp362Ala; replaces aspartic acid 362 with alanine.
Molecular consequence: missense variant.
Genome position (GRCh38, 1-based): chr5:80,675,040, A>C. VCF-style: chr5-80675040-A-C. GRCh37 (hg19) VCF-style: chr5-79970859-A-C.
Other names: short protein forms D362A.
Identifiers: ClinVar variation 944451 (VCV000944451.11), dbSNP rs373336770, ClinGen allele CA3327794.